The following is an entry in ClinVar:

NM_201384.3(PLEC):c.11885_11886inv (p.Thr3962Met)

Gene: PLEC (plectin; minus strand). Cytogenetic location: 8q24.3.
Variant type: Inversion.
Coding change: c.11885_11886inv on transcript NM_201384.3 (MANE Select).
Protein change: p.Thr3962Met; replaces threonine 3962 with methionine.
Molecular consequence: missense variant.
Genome position: GRCh38 VCF-style: chr8-143917935-TG-CA. GRCh37 (hg19) VCF-style: chr8-144992103-TG-CA.
Other names: c.11966_11967inv, p.Thr3989Met (NM_000445.5); c.8585_8586invCA, p.Thr2862Met (NM_001410941.1); c.11843_11844inv, p.Thr3948Met (NM_201378.4); c.11819_11820inv, p.Thr3940Met (NM_201379.3); c.12296_12297inv, p.Thr4099Met (NM_201380.4); c.11789_11790inv, p.Thr3930Met (NM_201381.3); c.11885_11886inv, p.Thr3962Met (NM_201382.4); c.11897_11898inv, p.Thr3966Met (NM_201383.3); short protein forms T2862M, T3930M, T3940M, T3948M, T3966M, T3989M, T4099M, T3962M.
Identifiers: ClinVar variation 1929235 (VCV001929235.5), ClinGen allele CA2580078795.

ClinVar aggregate classification (germline): Uncertain significance (1 of 4 stars; one submission).

Conditions:
Epidermolysis bullosa simplex 5B, with muscular dystrophy (EBS5B). Also called: Epidermolysis bullosa simplex with muscular dystrophy; EPIDERMOLYSIS BULLOSA SIMPLEX AND LIMB-GIRDLE MUSCULAR DYSTROPHY. Identifiers: Orphanet 257, MedGen C2931072, MONDO:0009181, OMIM 226670.
Epidermolysis bullosa simplex, Ogna type (EBS5A). Also called: EPIDERMOLYSIS BULLOSA SIMPLEX 5A, OGNA TYPE; Pidermolysis bullosa simplex 5A, Ogna type. Identifiers: Orphanet 79401, MedGen C0432317, MONDO:0007555, OMIM 131950.
Epidermolysis bullosa simplex 5C, with pyloric atresia (EBS5C). Also called: PLEC-Related Epidermolysis Bullosa with Pyloric Atresia; Epidermolysis bullosa simplex with pyloric atresia; PLEC1-Related Epidermolysis Bullosa with Pyloric Atresia. Identifiers: Orphanet 158684, MedGen C2677349, MONDO:0012807, OMIM 612138.
Epidermolysis bullosa simplex with nail dystrophy (EBS5D). Identifiers: MedGen C4225309, MONDO:0014661, OMIM 616487.
Autosomal recessive limb-girdle muscular dystrophy type 2Q (LGMDR17). Also called: MUSCULAR DYSTROPHY, LIMB-GIRDLE, AUTOSOMAL RECESSIVE 17. Identifiers: Orphanet 254361, MedGen C3150989, MONDO:0013390, OMIM 613723.

Submission:

Labcorp Genetics (formerly Invitae), Labcorp
Classification: Uncertain significance for Autosomal recessive limb-girdle muscular dystrophy type 2Q; Epidermolysis bullosa simplex, Ogna type; Epidermolysis bullosa simplex with nail dystrophy; Epidermolysis bullosa simplex 5C, with pyloric atresia; Epidermolysis bullosa simplex 5B, with muscular dystrophy. Last evaluated: 2026-01-21. Review status: criteria provided, single submitter. Criteria: Invitae Variant Classification Sherloc (09022015). Collection method: clinical testing. Allele origin: germline.
Comment: This sequence change replaces threonine, which is neutral and polar, with methionine, which is neutral and non-polar, at codon 3989 of the PLEC protein (p.Thr3989Met). This variant is present in population databases (no rsID available, gnomAD 0.004%). This variant has not been reported in the literature in individuals affected with PLEC-related conditions. ClinVar contains an entry for this variant (Variation ID: 1929235). An algorithm developed to predict the effect of missense changes on protein structure and function (PolyPhen-2) suggests that this variant is likely to be disruptive. In summary, the available evidence is currently insufficient to determine the role of this variant in disease. Therefore, it has been classified as a Variant of Uncertain Significance.